The following is an entry in ClinVar:

NM_173500.4(TTBK2):c.1499G>T (p.Arg500Leu)

Gene: TTBK2 (tau tubulin kinase 2; minus strand). Cytogenetic location: 15q15.2.
Variant type: single nucleotide variant.
Coding change: c.1499G>T on transcript NM_173500.4 (MANE Select); coding-DNA position 1499, G replaced by T.
Protein change: p.Arg500Leu; replaces arginine 500 with leucine.
Molecular consequence: missense variant.
Genome position (GRCh38, 1-based): chr15:42,775,634, C>A on the plus strand (G>T on the coding strand, the complement: TTBK2 is on the minus strand). VCF-style: chr15-42775634-C-A. GRCh37 (hg19) VCF-style: chr15-43067832-C-A.
Other names: short protein forms R500L.
Identifiers: ClinVar variation 884308 (VCV000884308.8), dbSNP rs56039839, ClinGen allele CA7516878.

ClinVar aggregate classification (germline): Conflicting classifications of pathogenicity. Review status: criteria provided, conflicting classifications (1 of 4 stars). 2 submissions from 2 submitters: Uncertain significance (1); Likely benign (1). Last evaluated 2024-03-22.

Conditions:
Spinocerebellar ataxia type 11 (SCA11). Identifiers: Orphanet 98767, MedGen C1858351, MONDO:0011464, OMIM 604432.

Submissions (2):

Labcorp Genetics (formerly Invitae), Labcorp
Classification: Uncertain significance. Last evaluated: 2024-03-22. Review status: criteria provided, single submitter. Criteria: Invitae Variant Classification Sherloc (09022015). Collection method: clinical testing. Allele origin: germline.
Comment: This sequence change replaces arginine, which is basic and polar, with leucine, which is neutral and non-polar, at codon 500 of the TTBK2 protein (p.Arg500Leu). This variant is present in population databases (rs56039839, gnomAD 0.06%), and has an allele count higher than expected for a pathogenic variant. This variant has not been reported in the literature in individuals affected with TTBK2-related conditions. ClinVar contains an entry for this variant (Variation ID: 884308). An algorithm developed to predict the effect of missense changes on protein structure and function (PolyPhen-2) suggests that this variant is likely to be tolerated. In summary, the available evidence is currently insufficient to determine the role of this variant in disease. Therefore, it has been classified as a Variant of Uncertain Significance.

Illumina Laboratory Services, Illumina
Classification: Likely benign for Spinocerebellar ataxia type 11. Last evaluated: 2018-03-06. Review status: criteria provided, single submitter. Criteria: ICSL Variant Classification Criteria 13 December 2019. Collection method: clinical testing. Allele origin: germline.
Comment: This variant was observed in the ICSL laboratory as part of a predisposition screen in an ostensibly healthy population. It had not been previously curated by ICSL or reported in the Human Gene Mutation Database (HGMD: prior to June 1st, 2018), and was therefore a candidate for classification through an automated scoring system. Utilizing variant allele frequency, disease prevalence and penetrance estimates, and inheritance mode, an automated score was calculated to assess if this variant is too frequent to cause the disease. Based on the score and internal cut-off values, a variant classified as likely benign is not then subjected to further curation. The score for this variant resulted in a classification of likely benign for this disease.